The following is an entry in ClinVar:

ClinVar aggregate classification (germline): Benign/Likely benign. Review status: criteria provided, multiple submitters, no conflicts (2 of 4 stars). 3 submissions from 3 submitters: Benign (1); Likely benign (1). 1 of the submissions does not count toward it. Last evaluated 2025-09-07.

Conditions:
Inborn genetic diseases. Identifiers: MedGen C0950123, MeSH D030342.
WNK1-related disorder. Also called: WNK1-related condition.
Neuropathy, hereditary sensory and autonomic, type 2A (HSAN2A). Also called: HSAN IIA; WNK1-Related HSAN2 (HSAN2A); MORVAN DISEASE; NEUROPATHY, CONGENITAL SENSORY; NEUROPATHY, HEREDITARY SENSORY RADICULAR, AUTOSOMAL RECESSIVE; NEUROPATHY, HEREDITARY SENSORY, TYPE IIA. Identifiers: Orphanet 970, MedGen C2752089, MONDO:0024309, OMIM 201300.
Pseudohypoaldosteronism type 2C (PHA2C). Also called: Pseudohypoaldosteronism Type IIC. Identifiers: Orphanet 757, Orphanet 88940, MedGen C1840391, MONDO:0013778, OMIM 614492.

Allele frequency attached by ClinVar (database versions not stated): ESP Exome Variant Server 0.00015; gnomAD exomes 0.00015 and 0.00013; TOPMed 0.00017; gnomAD 0.00022 and 0.00023; ExAC 0.00013.
gnomAD v4.1: 305 of 1,613,956 alleles (0.019%); highest among the groups gnomAD compares: East Asian, 0.067%; 2 homozygotes.

Submissions (3):

Labcorp Genetics (formerly Invitae), Labcorp
Classification: Benign for Neuropathy, hereditary sensory and autonomic, type 2A; Pseudohypoaldosteronism type 2C. Last evaluated: 2025-09-07. Review status: criteria provided, single submitter. Criteria: Invitae Variant Classification Sherloc (09022015). Collection method: clinical testing. Allele origin: germline.

Ambry Genetics
Classification: Likely benign for Inborn genetic diseases. Last evaluated: 2023-03-17. Review status: criteria provided, single submitter. Criteria: Ambry Variant Classification Scheme 2023. Collection method: clinical testing. Allele origin: germline.

PreventionGenetics, part of Exact Sciences
Classification: Likely benign for WNK1-related condition. Last evaluated: 2024-05-01. Review status: no assertion criteria provided. Collection method: clinical testing. Allele origin: germline. Not counted in ClinVar's aggregate classification.
Comment: This variant is classified as likely benign based on ACMG/AMP sequence variant interpretation guidelines (Richards et al. 2015 PMID: 25741868, with internal and published modifications).

NM_018979.4(WNK1):c.2290A>G (p.Thr764Ala)

Gene: WNK1 (WNK lysine deficient protein kinase 1; plus strand). Cytogenetic location: 12p13.33.
Variant type: single nucleotide variant.
Coding change: c.2290A>G on transcript NM_018979.4 (MANE Select); coding-DNA position 2290, A replaced by G.
Protein change: p.Thr764Ala; replaces threonine 764 with alanine.
Molecular consequence: missense variant.
Genome position (GRCh38, 1-based): chr12:878,278, A>G. VCF-style: chr12-878278-A-G. GRCh37 (hg19) VCF-style: chr12-987444-A-G.
Other names: c.3529A>G, p.Thr1177Ala (NM_001184985.2); c.2287A>G, p.Thr763Ala (NM_014823.3); c.3784A>G, p.Thr1262Ala (NM_213655.5); short protein forms T1262A, T764A, T763A, T1177A.
Identifiers: ClinVar variation 538527 (VCV000538527.17), dbSNP rs143890340, ClinGen allele CA6382433.